The following is an entry in ClinVar:

NM_000116.5(TAFAZZIN):c.127A>T (p.Thr43Ser)

Gene: TAFAZZIN (tafazzin, phospholipid-lysophospholipid transacylase; plus strand). Cytogenetic location: Xq28.
Variant type: single nucleotide variant.
Coding change: c.127A>T on transcript NM_000116.5 (MANE Select); coding-DNA position 127, A replaced by T.
Protein change: p.Thr43Ser; replaces threonine 43 with serine.
Molecular consequence: missense variant. On other transcripts: non-coding transcript variant (1).
Genome position (GRCh38, 1-based): chrX:154,412,103, A>T. VCF-style: chrX-154412103-A-T. GRCh37 (hg19) VCF-style: chrX-153640440-A-T.
Other names: c.181A>T, p.Thr61Ser (NM_001303465.2, NM_001410698.1); c.127A>T, p.Thr43Ser (NM_181311.4, NM_181312.4, NM_181313.4); short protein forms T61S, T43S.
Identifiers: ClinVar variation 2119293 (VCV002119293.4), dbSNP rs2522923680, ClinGen allele CA415179429.
Genomic context (GRCh38, chrX:154,412,103, plus strand): 5'-TAGCGGGCGAGCCCGGAGCGCCTGACTTCTCCTTCCCCGCCAGAGTACATGAACCACCTG[A>T]CCGTGCACAACAGGGAGGTGCTGTACGAGCTCATCGAGAAGCGAGGCCCGGCCACGCCCC-3'
Protein context (NP_000107.1, residues 33-53): CFWTKYMNHL[Thr43Ser]VHNREVLYEL

ClinVar aggregate classification (germline): Uncertain significance (1 of 4 stars; one submission).

Conditions:
3-Methylglutaconic aciduria type 2 (BTHS). Also called: CARDIOSKELETAL MYOPATHY WITH NEUTROPENIA AND ABNORMAL MITOCHONDRIA; Barth syndrome. Identifiers: Orphanet 111, MedGen C0574083, MONDO:0010543, OMIM 302060.

Submission:

Labcorp Genetics (formerly Invitae), Labcorp
Classification: Uncertain significance for 3-Methylglutaconic aciduria type 2. Last evaluated: 2021-11-22. Review status: criteria provided, single submitter. Criteria: Invitae Variant Classification Sherloc (09022015). Collection method: clinical testing. Allele origin: germline.
Comment: In summary, the available evidence is currently insufficient to determine the role of this variant in disease. Therefore, it has been classified as a Variant of Uncertain Significance. Algorithms developed to predict the effect of missense changes on protein structure and function output the following: SIFT: "Not Available"; PolyPhen-2: "Benign"; Align-GVGD: "Not Available". The serine amino acid residue is found in multiple mammalian species, which suggests that this missense change does not adversely affect protein function. This variant has not been reported in the literature in individuals affected with TAZ-related conditions. This variant is not present in population databases (gnomAD no frequency). This sequence change replaces threonine, which is neutral and polar, with serine, which is neutral and polar, at codon 43 of the TAZ protein (p.Thr43Ser).